The following is an entry in ClinVar:

ClinVar aggregate classification (germline): Uncertain significance (1 of 4 stars; one submission).

Submission:

GeneDx
Classification: Uncertain significance. Last evaluated: 2024-09-12. Review status: criteria provided, single submitter. Criteria: GeneDx Variant Classification Process June 2021. Collection method: clinical testing. Allele origin: germline. Affected: yes.
Comment: Not observed at significant frequency in large population cohorts (gnomAD); In silico analysis indicates that this missense variant does not alter protein structure/function; Has not been previously published as pathogenic or benign to our knowledge

NM_177438.3(DICER1):c.4291G>A (p.Ala1431Thr)

Gene: DICER1 (dicer 1, ribonuclease III; minus strand). Cytogenetic location: 14q32.13.
Variant type: single nucleotide variant.
Coding change: c.4291G>A on transcript NM_177438.3 (MANE Select); coding-DNA position 4291, G replaced by A.
Protein change: p.Ala1431Thr; replaces alanine 1431 with threonine.
Molecular consequence: missense variant. On other transcripts: non-coding transcript variant (6).
Genome position (GRCh38, 1-based): chr14:95,096,629, C>T on the plus strand (G>A on the coding strand, the complement: DICER1 is on the minus strand). VCF-style: chr14-95096629-C-T. GRCh37 (hg19) VCF-style: chr14-95562966-C-T.
Other names: c.4291G>A, p.Ala1431Thr (NM_001195573.1, NM_001271282.3, NM_001291628.2 and 12 more transcripts); c.4009G>A, p.Ala1337Thr (NM_001395686.1); c.3886G>A, p.Ala1296Thr (NM_001395687.1, NM_001395688.1, NM_001395689.1 and 2 more transcripts); c.3724G>A, p.Ala1242Thr (NM_001395691.1); c.2608G>A, p.Ala870Thr (NM_001395697.1); short protein forms A1242T, A1296T, A1337T, A1431T, A870T.
Identifiers: ClinVar variation 3770012 (VCV003770012.1).